The following is an entry in ClinVar:

ClinVar aggregate classification (germline): Uncertain significance (1 of 4 stars; one submission).

Conditions:
Cohen syndrome (COH1). Also called: PEPPER SYNDROME; Cutis verticis gyrata, retinitis pigmentosa, and sensorineural deafness. Identifiers: Orphanet 193, MedGen C0265223, MONDO:0008999, OMIM 216550.

Allele frequency attached by ClinVar (database versions not stated): gnomAD exomes below 0.00001.
gnomAD v4.1: 2 of 1,613,844 alleles (0.00012%); highest among the groups gnomAD compares: African/African-American, 0.0013%; no homozygotes.

Submission:

Labcorp Genetics (formerly Invitae), Labcorp
Classification: Uncertain significance for Cohen syndrome. Last evaluated: 2022-09-07. Review status: criteria provided, single submitter. Criteria: Invitae Variant Classification Sherloc (09022015). Collection method: clinical testing. Allele origin: germline.
Comment: ClinVar contains an entry for this variant (Variation ID: 1439838). Algorithms developed to predict the effect of missense changes on protein structure and function are either unavailable or do not agree on the potential impact of this missense change (SIFT: "Not Available"; PolyPhen-2: "Benign"; Align-GVGD: "Not Available"). In summary, the available evidence is currently insufficient to determine the role of this variant in disease. Therefore, it has been classified as a Variant of Uncertain Significance. This variant has not been reported in the literature in individuals affected with VPS13B-related conditions. This sequence change replaces glycine, which is neutral and non-polar, with arginine, which is basic and polar, at codon 2436 of the VPS13B protein (p.Gly2436Arg). This variant is not present in population databases (gnomAD no frequency).

NM_152564.5(VPS13B):c.7231G>A (p.Gly2411Arg)

Gene: VPS13B (vacuolar protein sorting 13 homolog B; plus strand). Cytogenetic location: 8q22.2.
Variant type: single nucleotide variant.
Coding change: c.7231G>A on transcript NM_152564.5 (MANE Select); coding-DNA position 7231, G replaced by A.
Protein change: p.Gly2411Arg; replaces glycine 2411 with arginine.
Molecular consequence: missense variant.
Genome position (GRCh38, 1-based): chr8:99,766,954, G>A. VCF-style: chr8-99766954-G-A. GRCh37 (hg19) VCF-style: chr8-100779182-G-A.
Other names: c.7306G>A, p.Gly2436Arg (NM_017890.5); short protein forms G2411R, G2436R.
Identifiers: ClinVar variation 1439838 (VCV001439838.6), dbSNP rs2130621965, ClinGen allele CA371874600.